The following is an entry in ClinVar:

ClinVar aggregate classification (germline): Uncertain significance (1 of 4 stars; one submission).

Conditions:
Inborn genetic diseases. Identifiers: MedGen C0950123, MeSH D030342.

gnomAD v4.1: 11 of 1,614,218 alleles (0.00068%); highest among the groups gnomAD compares: Admixed American, 0.015%; no homozygotes.

Submission:

Ambry Genetics
Classification: Uncertain significance for Inborn genetic diseases. Last evaluated: 2025-11-20. Review status: criteria provided, single submitter. Criteria: Ambry Variant Classification Scheme 2023. Collection method: clinical testing. Allele origin: germline.
Comment: The c.358G>C (p.E120Q) alteration is located in exon 1 (coding exon 1) of the PCDHGC4 gene. This alteration results from a G to C substitution at nucleotide position 358, causing the glutamic acid (E) at amino acid position 120 to be replaced by a glutamine (Q). Based on data from gnomAD, the C allele has an overall frequency of 0.004% (9/251366) total alleles studied. The highest observed frequency was 0.026% (9/34576) of Latino alleles. Based on insufficient or conflicting evidence, the clinical significance of this alteration remains unclear.

NM_018928.3(PCDHGC4):c.358G>C (p.Glu120Gln)

Genes: PCDHG@ (protocadherin gamma cluster; plus strand), PCDHGA1 (protocadherin gamma subfamily A, 1; plus strand), PCDHGA10 (protocadherin gamma subfamily A, 10; plus strand), PCDHGA11 (protocadherin gamma subfamily A, 11; plus strand), PCDHGA12 (protocadherin gamma subfamily A, 12; plus strand) and 17 more. Cytogenetic location: 5q31.3.
Variant type: single nucleotide variant.
Coding change: c.358G>C on transcript NM_018928.3 (MANE Select); coding-DNA position 358, G replaced by C.
Protein change: p.Glu120Gln; replaces glutamic acid 120 with glutamine.
Molecular consequence: missense variant. On other transcripts: intron variant (23).
Genome position (GRCh38, 1-based): chr5:141,485,531, G>C. VCF-style: chr5-141485531-G-C. GRCh37 (hg19) VCF-style: chr5-140865098-G-C.
Other names: c.358G>C, p.Glu120Gln (NM_032406.1); c.2422-9276G>C (NM_018912.3, NM_018923.3, NM_018918.3); c.2425-9276G>C (NM_018915.4, NM_018916.4, NM_018919.3 and 4 more transcripts); c.2410-9276G>C (NM_018922.3); c.2515-9276G>C (NM_018917.4); c.2416-9276G>C (NM_018924.5, NM_018927.4); c.2398-9276G>C (NM_003736.4, NM_018925.3); c.2419-9276G>C (NM_018926.3); and 6 more; short protein forms E120Q.
Identifiers: ClinVar variation 4627068 (VCV004627068.1).